The following is an entry in ClinVar:

NM_153033.5(KCTD7):c.53T>A (p.Met18Lys)

Genes: KCTD7 (potassium channel tetramerization domain containing 7; plus strand), LOC129998533 (ATAC-STARR-seq lymphoblastoid silent region 18210; plus strand). Cytogenetic location: 7q11.21.
Variant type: single nucleotide variant.
Coding change: c.53T>A on transcript NM_153033.5 (MANE Select); coding-DNA position 53, T replaced by A.
Protein change: p.Met18Lys; replaces methionine 18 with lysine.
Molecular consequence: missense variant.
Genome position (GRCh38, 1-based): chr7:66,629,117, T>A. VCF-style: chr7-66629117-T-A. GRCh37 (hg19) VCF-style: chr7-66094104-T-A.
Other names: c.53T>A, p.Met18Lys (NM_001167961.2); short protein forms M18K.
Identifiers: ClinVar variation 1063821 (VCV001063821.6), dbSNP rs777578179, ClinGen allele CA367695233.

ClinVar aggregate classification (germline): Uncertain significance (1 of 4 stars; one submission).

Conditions:
Progressive myoclonic epilepsy type 3. Also called: KCTD7-Related Progressive Myoclonic Epilepsy; EPILEPSY, PROGRESSIVE MYOCLONIC, 3, WITH OR WITHOUT INTRACELLULAR INCLUSIONS; CEROID LIPOFUSCINOSIS, NEURONAL, 14; EPILEPSY, PROGRESSIVE MYOCLONIC, 3, WITHOUT INTRACELLULAR INCLUSIONS. Identifiers: Orphanet 263516, MedGen C2673257, MONDO:0012721, OMIM 611726.

Submission:

Labcorp Genetics (formerly Invitae), Labcorp
Classification: Uncertain significance for Progressive myoclonic epilepsy type 3. Last evaluated: 2021-09-01. Review status: criteria provided, single submitter. Criteria: Invitae Variant Classification Sherloc (09022015). Collection method: clinical testing. Allele origin: germline.
Comment: This sequence change replaces methionine with lysine at codon 18 of the KCTD7 protein (p.Met18Lys). The methionine residue is moderately conserved and there is a moderate physicochemical difference between methionine and lysine. This variant is not present in population databases (ExAC no frequency). This variant has not been reported in the literature in individuals affected with KCTD7-related conditions. Algorithms developed to predict the effect of missense changes on protein structure and function (SIFT, PolyPhen-2, Align-GVGD) all suggest that this variant is likely to be tolerated. In summary, the available evidence is currently insufficient to determine the role of this variant in disease. Therefore, it has been classified as a Variant of Uncertain Significance.